The following is an entry in ClinVar:

ClinVar aggregate classification (germline): Pathogenic (1 of 4 stars; one submission).

Conditions:
Congenital muscular hypertrophy-cerebral syndrome (CDLS2). Also called: Cornelia de Lange syndrome 2; SMC1A-Related Cornelia de Lange Syndrome. Identifiers: Orphanet 199, MedGen C1802395, MONDO:0010370, OMIM 300590.

Submission:

Labcorp Genetics (formerly Invitae), Labcorp
Classification: Pathogenic for Congenital muscular hypertrophy-cerebral syndrome. Last evaluated: 2025-07-10. Review status: criteria provided, single submitter. Criteria: Invitae Variant Classification Sherloc (09022015). Collection method: clinical testing. Allele origin: germline.
Comment: This sequence change replaces arginine, which is basic and polar, with glycine, which is neutral and non-polar, at codon 693 of the SMC1A protein (p.Arg693Gly). This variant is not present in population databases (gnomAD no frequency). This missense change has been observed in individual(s) with Cornelia de Lange syndrome (PMID: 19701948). In at least one individual the variant was observed to be de novo. Invitae Evidence Modeling of protein sequence and biophysical properties (such as structural, functional, and spatial information, amino acid conservation, physicochemical variation, residue mobility, and thermodynamic stability) indicates that this missense variant is expected to disrupt SMC1A protein function with a positive predictive value of 80%. This variant disrupts the p.Arg693 amino acid residue in SMC1A. Other variant(s) that disrupt this residue have been determined to be pathogenic (PMID: 24124034). This suggests that this residue is clinically significant, and that variants that disrupt this residue are likely to be disease-causing. For these reasons, this variant has been classified as Pathogenic.

Literature cited by the submitters: PubMed 19701948; PubMed 24124034.

NM_006306.4(SMC1A):c.2077C>G (p.Arg693Gly)

Gene: SMC1A (structural maintenance of chromosomes 1A; minus strand). Cytogenetic location: Xp11.22.
Variant type: single nucleotide variant.
Coding change: c.2077C>G on transcript NM_006306.4 (MANE Select); coding-DNA position 2077, C replaced by G.
Protein change: p.Arg693Gly; replaces arginine 693 with glycine.
Molecular consequence: missense variant.
Genome position (GRCh38, 1-based): chrX:53,405,131, G>C on the plus strand (C>G on the coding strand, the complement: SMC1A is on the minus strand). VCF-style: chrX-53405131-G-C. GRCh37 (hg19) VCF-style: chrX-53432063-G-C.
Other names: c.2011C>G, p.Arg671Gly (NM_001281463.1); short protein forms R693G, R671G.
Identifiers: ClinVar variation 4710767 (VCV004710767.1).